The following is an entry in ClinVar:

NM_020631.6(PLEKHG5):c.1412A>G (p.Gln471Arg)

Gene: PLEKHG5 (pleckstrin homology and RhoGEF domain containing G5; minus strand). Cytogenetic location: 1p36.31.
Variant type: single nucleotide variant.
Coding change: c.1412A>G on transcript NM_020631.6 (MANE Select); coding-DNA position 1412, A replaced by G.
Protein change: p.Gln471Arg; replaces glutamine 471 with arginine.
Molecular consequence: missense variant.
Genome position (GRCh38, 1-based): chr1:6,470,865, T>C on the plus strand (A>G on the coding strand, the complement: PLEKHG5 is on the minus strand). VCF-style: chr1-6470865-T-C. GRCh37 (hg19) VCF-style: chr1-6530925-T-C.
Other names: c.1523A>G, p.Gln508Arg (NM_001042663.3, NM_001265592.2); c.1412A>G, p.Gln471Arg (NM_001042664.2, NM_001042665.2, NM_001265594.3 and 1 more transcripts); c.1619A>G, p.Gln540Arg (NM_001265593.2); short protein forms Q508R, Q471R, Q540R.
Identifiers: ClinVar variation 2947561 (VCV002947561.1), dbSNP rs1644551777, ClinGen allele CA338127123.

ClinVar aggregate classification (germline): Uncertain significance (1 of 4 stars; one submission).

Conditions:
Charcot-Marie-Tooth disease recessive intermediate C. Also called: CHARCOT-MARIE-TOOTH NEUROPATHY, RECESSIVE INTERMEDIATE C. Identifiers: Orphanet 369867, MedGen C3809309, MONDO:0014154, OMIM 615376.
Neuronopathy, distal hereditary motor, autosomal recessive 4. Also called: Autosomal recessive lower motor neuron disease with childhood onset; NEUROPATHY, DISTAL HEREDITARY MOTOR, AUTOSOMAL RECESSIVE 4. Identifiers: Orphanet 206580, MedGen C1970211, MONDO:0012608, OMIM 611067.

Submission:

Labcorp Genetics (formerly Invitae), Labcorp
Classification: Uncertain significance for Neuronopathy, distal hereditary motor, autosomal recessive 4; Charcot-Marie-Tooth disease recessive intermediate C. Last evaluated: 2023-05-08. Review status: criteria provided, single submitter. Criteria: Invitae Variant Classification Sherloc (09022015). Collection method: clinical testing. Allele origin: germline.
Comment: An algorithm developed to predict the effect of missense changes on protein structure and function (PolyPhen-2) suggests that this variant¬† is likely to be tolerated. This variant has not been reported in the literature in individuals affected with PLEKHG5-related conditions. This variant is not present in population databases (gnomAD no frequency). This sequence change replaces glutamine, which is neutral and polar, with arginine, which is basic and polar, at codon 471 of the PLEKHG5 protein (p.Gln471Arg). In summary, the available evidence is currently insufficient to determine the role of this variant in disease. Therefore, it has been classified as a Variant of Uncertain Significance.